The following is an entry in ClinVar:

ClinVar aggregate classification (germline): Likely benign (0 of 4 stars; one submission).

Conditions:
SCYL1-related disorder. Also called: SCYL1-related condition.

Allele frequency attached by ClinVar (database versions not stated): ExAC 0.00010; 1000 Genomes Project 30x 0.00078; 1000 Genomes Project 0.00100.
gnomAD v4.1: 59 of 1,553,010 alleles (0.0038%); highest among the groups gnomAD compares: East Asian, 0.14%; no homozygotes.

Submission:

PreventionGenetics, part of Exact Sciences
Classification: Likely benign for SCYL1-related condition. Last evaluated: 2022-05-19. Review status: no assertion criteria provided. Collection method: clinical testing. Allele origin: germline.
Comment: This variant is classified as likely benign based on ACMG/AMP sequence variant interpretation guidelines (Richards et al. 2015 PMID: 25741868, with internal and published modifications).

NM_020680.4(SCYL1):c.2264G>C (p.Trp755Ser)

Gene: SCYL1 (SCY1 like pseudokinase 1; plus strand). Cytogenetic location: 11q13.1.
Variant type: single nucleotide variant.
Coding change: c.2264G>C on transcript NM_020680.4 (MANE Select); coding-DNA position 2264, G replaced by C.
Protein change: p.Trp755Ser; replaces tryptophan 755 with serine.
Molecular consequence: missense variant. On other transcripts: intron variant (1).
Genome position (GRCh38, 1-based): chr11:65,538,286, G>C. VCF-style: chr11-65538286-G-C. GRCh37 (hg19) VCF-style: chr11-65305757-G-C.
Other names: c.2213G>C, p.Trp738Ser (NM_001048218.2); c.2244+104G>C (NM_001411022.1); short protein forms W738S, W755S.
Identifiers: ClinVar variation 3036668 (VCV003036668.2), dbSNP rs56077405, ClinGen allele CA6100099.